The following is an entry in ClinVar:

ClinVar aggregate classification (germline): Uncertain significance (1 of 4 stars; one submission).

Conditions:
Combined immunodeficiency due to DOCK8 deficiency (HIES2). Also called: HYPER-IgE RECURRENT INFECTION SYNDROME 2, AUTOSOMAL RECESSIVE; HYPER-IgE SYNDROME 2, AUTOSOMAL RECESSIVE, WITH RECURRENT INFECTIONS; HIES autosomal recessive; DOCK8 Deficiency; Hyper-IgE recurrent infection syndrome, autosomal recessive. Identifiers: Orphanet 217390, MedGen C4722305, MONDO:0009478, OMIM 243700.

Allele frequency attached by ClinVar (database versions not stated): gnomAD exomes below 0.00001; gnomAD 0.00001; TOPMed 0.00001.
gnomAD v4.1: 2 of 1,613,952 alleles (0.00012%); highest among the groups gnomAD compares: African/African-American, 0.0013%; no homozygotes.

Submission:

Labcorp Genetics (formerly Invitae), Labcorp
Classification: Uncertain significance for Combined immunodeficiency due to DOCK8 deficiency. Last evaluated: 2021-09-08. Review status: criteria provided, single submitter. Criteria: Invitae Variant Classification Sherloc (09022015). Collection method: clinical testing. Allele origin: germline.
Comment: This sequence change replaces serine with cysteine at codon 459 of the DOCK8 protein (p.Ser459Cys). The serine residue is moderately conserved and there is a moderate physicochemical difference between serine and cysteine. This variant is not present in population databases (ExAC no frequency). This variant has not been reported in the literature in individuals affected with DOCK8-related conditions. Algorithms developed to predict the effect of missense changes on protein structure and function are either unavailable or do not agree on the potential impact of this missense change (SIFT: "Deleterious"; PolyPhen-2: "Benign"; Align-GVGD: "Class C15"). In summary, the available evidence is currently insufficient to determine the role of this variant in disease. Therefore, it has been classified as a Variant of Uncertain Significance.

NM_203447.4(DOCK8):c.1376C>G (p.Ser459Cys)

Gene: DOCK8 (dedicator of cytokinesis 8; plus strand). Cytogenetic location: 9p24.3.
Variant type: single nucleotide variant.
Coding change: c.1376C>G on transcript NM_203447.4 (MANE Select); coding-DNA position 1376, C replaced by G.
Protein change: p.Ser459Cys; replaces serine 459 with cysteine.
Molecular consequence: missense variant.
Genome position (GRCh38, 1-based): chr9:336,672, C>G. VCF-style: chr9-336672-C-G. GRCh37 (hg19) VCF-style: chr9-336672-C-G.
Other names: c.1172C>G, p.Ser391Cys (NM_001190458.2, NM_001193536.2); short protein forms S391C, S459C.
Identifiers: ClinVar variation 1372486 (VCV001372486.5), dbSNP rs1208848727, ClinGen allele CA372753361.